The following is an entry in ClinVar:

ClinVar aggregate classification (germline): Uncertain significance. Review status: criteria provided, multiple submitters, no conflicts (2 of 4 stars). 3 submissions from 3 submitters: Uncertain significance (3). Last evaluated 2024-01-22.

Conditions:
Inborn genetic diseases. Identifiers: MedGen C0950123, MeSH D030342.
Muscle AMP deaminase deficiency (MMDD). Also called: AMPD1 DEFICIENCY; ADENOSINE MONOPHOSPHATE DEAMINASE-1 DEFICIENCY, MYOPATHY DUE TO; Myoadenylate deaminase deficiency, myopathy due to; Adenosine monophosphate deaminase 1 deficiency; AMP deaminase 1 deficiency; Adenosine Monophosphate Deaminase 1. Identifiers: Orphanet 45, MedGen C3714933, MONDO:0014220, OMIM 615511.

Allele frequency attached by ClinVar (database versions not stated): 1000 Genomes Project 30x 0.00031; gnomAD 0.00034 and 0.00053; gnomAD exomes 0.00037 and 0.00042; ESP Exome Variant Server 0.00038; 1000 Genomes Project 0.00040; ExAC 0.00060; TOPMed 0.00060.
gnomAD v4.1: 684 of 1,613,344 alleles (0.042%); highest among the groups gnomAD compares: Non-Finnish European, 0.049%; no homozygotes.

Submissions (3):

Labcorp Genetics (formerly Invitae), Labcorp
Classification: Uncertain significance for Muscle AMP deaminase deficiency. Last evaluated: 2024-01-22. Review status: criteria provided, single submitter. Criteria: Invitae Variant Classification Sherloc (09022015). Collection method: clinical testing. Allele origin: germline.
Comment: This sequence change replaces methionine, which is neutral and non-polar, with isoleucine, which is neutral and non-polar, at codon 695 of the AMPD1 protein (p.Met695Ile). This variant is present in population databases (rs115092288, gnomAD 0.06%). This variant has not been reported in the literature in individuals affected with AMPD1-related conditions. ClinVar contains an entry for this variant (Variation ID: 1424886). An algorithm developed to predict the effect of missense changes on protein structure and function (PolyPhen-2) suggests that this variant is likely to be disruptive. In summary, the available evidence is currently insufficient to determine the role of this variant in disease. Therefore, it has been classified as a Variant of Uncertain Significance.

Ambry Genetics
Classification: Uncertain significance for Inborn genetic diseases. Last evaluated: 2021-09-16. Review status: criteria provided, single submitter. Criteria: Ambry Variant Classification Scheme 2023. Collection method: clinical testing. Allele origin: germline.

Revvity Omics, Revvity
Classification: Uncertain significance for Muscle AMP deaminase deficiency. Last evaluated: 2019-06-27. Review status: criteria provided, single submitter. Criteria: ACMG Guidelines, 2015. Collection method: clinical testing. Allele origin: germline.

NM_000036.3(AMPD1):c.1986G>A (p.Met662Ile)

Gene: AMPD1 (adenosine monophosphate deaminase 1; minus strand). Cytogenetic location: 1p13.2.
Variant type: single nucleotide variant.
Coding change: c.1986G>A on transcript NM_000036.3 (MANE Select); coding-DNA position 1986, G replaced by A.
Protein change: p.Met662Ile; replaces methionine 662 with isoleucine.
Molecular consequence: missense variant.
Genome position (GRCh38, 1-based): chr1:114,673,738, C>T on the plus strand (G>A on the coding strand, the complement: AMPD1 is on the minus strand). VCF-style: chr1-114673738-C-T. GRCh37 (hg19) VCF-style: chr1-115216359-C-T.
Other names: c.1974G>A, p.Met658Ile (NM_001172626.2); c.2085G>A (NM_000036.2); short protein forms M662I, M658I.
Identifiers: ClinVar variation 1424886 (VCV001424886.7), dbSNP rs115092288, ClinGen allele CA1019948.